The following is an entry in ClinVar:

NM_001164508.2(NEB):c.2681C>A (p.Thr894Lys)

Gene: NEB (nebulin; minus strand). Cytogenetic location: 2q23.3.
Variant type: single nucleotide variant.
Coding change: c.2681C>A on transcript NM_001164508.2 (MANE Select); coding-DNA position 2681, C replaced by A.
Protein change: p.Thr894Lys; replaces threonine 894 with lysine.
Molecular consequence: missense variant.
Genome position (GRCh38, 1-based): chr2:151,684,932, G>T on the plus strand (C>A on the coding strand, the complement: NEB is on the minus strand). VCF-style: chr2-151684932-G-T. GRCh37 (hg19) VCF-style: chr2-152541446-G-T.
Other names: c.2681C>A, p.Thr894Lys (NM_001164507.2, NM_001271208.2, NM_004543.5); c.2681C>A (NM_004543.4); short protein forms T894K.
Identifiers: ClinVar variation 2139343 (VCV002139343.6), dbSNP rs377649771, ClinGen allele CA1911148.
Genomic context (GRCh38, chr2:151,684,932, plus strand): 5'-TCGCTGGCAATTGCCTGAGATTTCTTAGCTTGAGTGACTTGGAGCATATCAAGAGGTGCC[G>T]TGTAGATAGTTTTTGACTTTTCATAATCTTTTCGATATTCGCGCTGTGAATAGGAAATTA-3'
Protein context (NP_001157980.2, residues 884-904): KDYEKSKTIY[Thr894Lys]APLDMLQVTQ

ClinVar aggregate classification (germline): Uncertain significance. Review status: criteria provided, multiple submitters, no conflicts (2 of 4 stars). 3 submissions from 3 submitters: Uncertain significance (3). Last evaluated 2025-08-18.

Conditions:
Nemaline myopathy 2 (NEM2). Also called: Nemaline myopathy 2, autosomal recessive. Identifiers: MedGen C1850569, MONDO:0009725, OMIM 256030.
Inborn genetic diseases. Identifiers: MedGen C0950123, MeSH D030342.

Allele frequency attached by ClinVar (database versions not stated): ESP Exome Variant Server 0.00008.
gnomAD v4.1: 164 of 1,612,412 alleles (0.01%); highest among the groups gnomAD compares: Non-Finnish European, 0.014%; no homozygotes.

Submissions (3):

Labcorp Genetics (formerly Invitae), Labcorp
Classification: Uncertain significance for Nemaline myopathy 2. Last evaluated: 2025-08-18. Review status: criteria provided, single submitter. Criteria: Invitae Variant Classification Sherloc (09022015). Collection method: clinical testing. Allele origin: germline.
Comment: This sequence change replaces threonine, which is neutral and polar, with lysine, which is basic and polar, at codon 894 of the NEB protein (p.Thr894Lys). This variant is present in population databases (rs377649771, gnomAD 0.004%). This variant has not been reported in the literature in individuals affected with NEB-related conditions. ClinVar contains an entry for this variant (Variation ID: 2139343). Experimental studies and prediction algorithms are not available or were not evaluated, and the functional significance of this variant is currently unknown. In summary, the available evidence is currently insufficient to determine the role of this variant in disease. Therefore, it has been classified as a Variant of Uncertain Significance.

Ambry Genetics
Classification: Uncertain significance for Inborn genetic diseases. Last evaluated: 2025-02-01. Review status: criteria provided, single submitter. Criteria: Ambry Variant Classification Scheme 2023. Collection method: clinical testing. Allele origin: germline.

Revvity Omics, Revvity
Classification: Uncertain significance. Last evaluated: 2023-09-26. Review status: criteria provided, single submitter. Criteria: ACMG Guidelines, 2015. Collection method: clinical testing. Allele origin: germline.